The following is an entry in ClinVar:

NM_001277115.2(DNAH11):c.10691+5G>C

Gene: DNAH11 (dynein axonemal heavy chain 11; plus strand). Cytogenetic location: 7p15.3.
Variant type: single nucleotide variant.
Coding change: c.10691+5G>C on transcript NM_001277115.2 (MANE Select); 5 bases into the intron after coding-DNA position 10691, G replaced by C.
Molecular consequence: intron variant.
Genome position (GRCh38, 1-based): chr7:21,818,344, G>C. VCF-style: chr7-21818344-G-C. GRCh37 (hg19) VCF-style: chr7-21857962-G-C.
Identifiers: ClinVar variation 952401 (VCV000952401.10), dbSNP rs1429978132, ClinGen allele CA572919287.

ClinVar aggregate classification (germline): Likely pathogenic (1 of 4 stars; one submission).

Conditions:
Primary ciliary dyskinesia. Also called: Ciliary dyskinesia. Identifiers: Orphanet 244, MedGen C0008780, MONDO:0016575, HP:0012265.

Allele frequency attached by ClinVar (database versions not stated): gnomAD exomes below 0.00001 and 0.00001; gnomAD 0.00001; TOPMed 0.00001.
gnomAD v4.1: 2 of 1,605,442 alleles (0.00012%); highest among the groups gnomAD compares: African/African-American, 0.0027%; no homozygotes.

Submission:

Labcorp Genetics (formerly Invitae), Labcorp
Classification: Likely pathogenic for Primary ciliary dyskinesia. Last evaluated: 2023-04-06. Review status: criteria provided, single submitter. Criteria: Invitae Variant Classification Sherloc (09022015). Collection method: clinical testing. Allele origin: germline.
Comment: Variants that disrupt the consensus splice site are a relatively common cause of aberrant splicing (PMID: 17576681, 9536098). Algorithms developed to predict the effect of sequence changes on RNA splicing suggest that this variant may disrupt the consensus splice site. In summary, the currently available evidence indicates that the variant is pathogenic, but additional data are needed to prove that conclusively. Therefore, this variant has been classified as Likely Pathogenic. This sequence change falls in intron 65 of the DNAH11 gene. It does not directly change the encoded amino acid sequence of the DNAH11 protein. It affects a nucleotide within the consensus splice site. This variant is present in population databases (no rsID available, gnomAD 0.01%). This variant has been observed in individual(s) with primary ciliary dyskinesia (Invitae). In at least one individual the data is consistent with being in trans (on the opposite chromosome) from a pathogenic variant. ClinVar contains an entry for this variant (Variation ID: 952401).

Literature cited by the submitters: PubMed 17576681; PubMed 9536098.